The following is an entry in ClinVar:

NM_012144.4(DNAI1):c.900del (p.Asp301fs)

Gene: DNAI1 (dynein axonemal intermediate chain 1; plus strand). Cytogenetic location: 9p13.3.
Variant type: Deletion.
Coding change: c.900del on transcript NM_012144.4 (MANE Select); coding-DNA position 900, one base deleted (A; older notation c.900delA).
Protein change: p.Asp301fs; shifts the reading frame from aspartic acid 301.
Molecular consequence: frameshift variant.
Genome position (GRCh38, 1-based): chr9:34,497,198, A deleted; the last of 2 consecutive A bases (chr9:34,497,197-34,497,198); deleting either gives the same sequence. VCF-style (leftmost placement, unchanged base first): chr9-34497196-CA-C. GRCh37 (hg19) VCF-style: chr9-34497194-CA-C.
Other names: c.912del, p.Asp305fs (NM_001281428.2); short protein forms D301fs, D305fs.
Identifiers: ClinVar variation 5014522 (VCV005014522.1).
Genomic context (GRCh38, chr9:34,497,196, plus strand): 5'-TCCCAAGCTGCTAAGATCATGGAGCGGATGGTCAACCAGAATACATATGATGACATTGCT[CA>C]AGGTAAGAGTTGAAGTTCTGGCAACCACTATTATTGCCTGTATTAAAAATTTCTCATAAA-3'

ClinVar aggregate classification (germline): Pathogenic (1 of 4 stars; one submission).

Conditions:
Kartagener syndrome (CILD1). Also called: CILIARY DYSKINESIA, PRIMARY, 1; CILIARY DYSKINESIA, PRIMARY, 1, WITH OR WITHOUT SITUS INVERSUS; IMMOTILE CILIA SYNDROME; POLYNESIAN BRONCHIECTASIS; Dextrocardia bronchiectasis and sinusitis; SIEWERT SYNDROME. Identifiers: Orphanet 244, MedGen C4551906, MONDO:0009484, OMIM 244400.

Submission:

Myriad Genetics, Inc.
Classification: Pathogenic for Kartagener syndrome. Last evaluated: 2025-05-27. Review status: criteria provided, single submitter. Criteria: Myriad Autosomal Dominant, Autosomal Recessive and X-Linked Classification Criteria (2023). Collection method: clinical testing. Allele origin: unknown.
Comment: NM_012144.2(DNAI1):c.900delA(D301Ifs*58) is expected to be pathogenic in the context of primary ciliary dyskinesia, DNAI1-related. This variant is predicted to lead to an abnormal or absent protein product due to the creation of a premature termination codon in DNAI1, a gene where loss-of-function variants are known to be pathogenic. Please note: this variant was assessed in the context of healthy population screening.